The following is an entry in ClinVar:

NM_002470.4(MYH3):c.4496T>C (p.Val1499Ala)

Gene: MYH3 (myosin heavy chain 3; minus strand). Cytogenetic location: 17p13.1.
Variant type: single nucleotide variant.
Coding change: c.4496T>C on transcript NM_002470.4 (MANE Select); coding-DNA position 4496, T replaced by C.
Protein change: p.Val1499Ala; replaces valine 1499 with alanine.
Molecular consequence: missense variant.
Genome position (GRCh38, 1-based): chr17:10,634,043, A>G on the plus strand (T>C on the coding strand, the complement: MYH3 is on the minus strand). VCF-style: chr17-10634043-A-G. GRCh37 (hg19) VCF-style: chr17-10537360-A-G.
Other names: short protein forms V1499A.
Identifiers: ClinVar variation 3620455 (VCV003620455.2).

ClinVar aggregate classification (germline): Uncertain significance (1 of 4 stars; one submission).

gnomAD v4.1: 15 of 1,614,042 alleles (0.00093%); highest among the groups gnomAD compares: Non-Finnish European, 0.0013%; no homozygotes.

Submission:

Labcorp Genetics (formerly Invitae), Labcorp
Classification: Uncertain significance. Last evaluated: 2025-06-24. Review status: criteria provided, single submitter. Criteria: Invitae Variant Classification Sherloc (09022015). Collection method: clinical testing. Allele origin: germline.
Comment: This sequence change replaces valine, which is neutral and non-polar, with alanine, which is neutral and non-polar, at codon 1499 of the MYH3 protein (p.Val1499Ala). This variant is present in population databases (rs780497482, gnomAD 0.002%). This variant has not been reported in the literature in individuals affected with MYH3-related conditions. ClinVar contains an entry for this variant (Variation ID: 3620455). Invitae Evidence Modeling of protein sequence and biophysical properties (such as structural, functional, and spatial information, amino acid conservation, physicochemical variation, residue mobility, and thermodynamic stability) indicates that this missense variant is not expected to disrupt MYH3 protein function with a negative predictive value of 95%. In summary, the available evidence is currently insufficient to determine the role of this variant in disease. Therefore, it has been classified as a Variant of Uncertain Significance.